The following is an entry in ClinVar:

ClinVar aggregate classification (germline): Benign/Likely benign. Review status: criteria provided, multiple submitters, no conflicts (2 of 4 stars). 4 submissions from 4 submitters: Benign (1); Likely benign (2). 1 of the submissions does not count toward it. Last evaluated 2025-10-06.

Conditions:
WDR35-related disorder. Also called: WDR35-related condition; WDR35-related disorders. Identifiers: MedGen CN239419.
Short-rib thoracic dysplasia 7 with or without polydactyly (SRTD7). Also called: Short rib polydactyly syndrome 5; SHORT-RIB THORACIC DYSPLASIA 7 WITH POLYDACTYLY. Identifiers: Orphanet 498497, Orphanet 93271, MedGen C3279792, MONDO:0013569, OMIM 614091.
Cranioectodermal dysplasia 2 (CED2). Identifiers: Orphanet 1515, MedGen C3150874, MONDO:0013323, OMIM 613610.

Allele frequency attached by ClinVar (database versions not stated): gnomAD exomes 0.00008 and 0.00023; ExAC 0.00026; 1000 Genomes Project 0.00080; gnomAD 0.00090 and 0.00098; 1000 Genomes Project 30x 0.00094; TOPMed 0.00108; ESP Exome Variant Server 0.00123.

Submissions (4):

Labcorp Genetics (formerly Invitae), Labcorp
Classification: Benign for Cranioectodermal dysplasia 2; Short-rib thoracic dysplasia 7 with or without polydactyly. Last evaluated: 2025-10-06. Review status: criteria provided, single submitter. Criteria: Invitae Variant Classification Sherloc (09022015). Collection method: clinical testing. Allele origin: germline.

Blueprint Genetics
Classification: Likely benign. Last evaluated: 2024-08-06. Review status: criteria provided, single submitter. Criteria: ACMG Guidelines, 2015. Collection method: clinical testing. Allele origin: germline.

ARUP Laboratories, Molecular Genetics and Genomics, ARUP Laboratories
Classification: Likely benign. Last evaluated: 2024-02-29. Review status: criteria provided, single submitter. Criteria: ARUP Molecular Germline Variant Investigation Process 2024. Collection method: clinical testing. Allele origin: germline.

PreventionGenetics, part of Exact Sciences
Classification: Likely benign for WDR35-related condition. Last evaluated: 2019-07-24. Review status: no assertion criteria provided. Collection method: clinical testing. Allele origin: germline. Not counted in ClinVar's aggregate classification.
Comment: This variant is classified as likely benign based on ACMG/AMP sequence variant interpretation guidelines (Richards et al. 2015 PMID: 25741868, with internal and published modifications).

NM_020779.4(WDR35):c.1471-7A>G

Gene: WDR35 (WD repeat domain 35; minus strand). Cytogenetic location: 2p24.1.
Variant type: single nucleotide variant.
Coding change: c.1471-7A>G on transcript NM_020779.4 (MANE Select); 7 bases into the intron before coding-DNA position 1471, A replaced by G.
Molecular consequence: intron variant.
Genome position (GRCh38, 1-based): chr2:19,948,224, T>C on the plus strand (A>G on the coding strand, the complement: WDR35 is on the minus strand). VCF-style: chr2-19948224-T-C. GRCh37 (hg19) VCF-style: chr2-20147985-T-C.
Other names: c.1504-7A>G (NM_001006657.2).
Identifiers: ClinVar variation 440417 (VCV000440417.22), dbSNP rs376388391, ClinGen allele CA1543212.
Genomic context (GRCh38, chr2:19,948,224, plus strand): 5'-CACAATCAATATCTTATCTGATGCAGTTATGGCACAAATTGGATCCCTTGTGCCCTAAAA[T>C]AAATTAATCAATCATTACTATTCAACAAACATTTATTGAATAACTAACCTGGTACAACGT-3'